The following is an entry in ClinVar:

ClinVar aggregate classification (germline): Uncertain significance (1 of 4 stars; one submission).

Conditions:
Early-infantile DEE. Also called: Early infantile epileptic encephalopathy; Ohtahara syndrome; Early infantile epileptic encephalopathy with suppression bursts. Identifiers: Orphanet 1934, MedGen C0393706, MONDO:0800491.

Submission:

Labcorp Genetics (formerly Invitae), Labcorp
Classification: Uncertain significance for Early-infantile DEE. Last evaluated: 2024-03-25. Review status: criteria provided, single submitter. Criteria: Invitae Variant Classification Sherloc (09022015). Collection method: clinical testing. Allele origin: germline.
Comment: This sequence change replaces asparagine, which is neutral and polar, with serine, which is neutral and polar, at codon 1716 of the SCN8A protein (p.Asn1716Ser). This variant is not present in population databases (gnomAD no frequency). This variant has not been reported in the literature in individuals affected with SCN8A-related conditions. Advanced modeling of protein sequence and biophysical properties (such as structural, functional, and spatial information, amino acid conservation, physicochemical variation, residue mobility, and thermodynamic stability) has been performed at Invitae for this missense variant, however the output from this modeling did not meet the statistical confidence thresholds required to predict the impact of this variant on SCN8A protein function. In summary, the available evidence is currently insufficient to determine the role of this variant in disease. Therefore, it has been classified as a Variant of Uncertain Significance.

NM_001330260.2(SCN8A):c.5147A>G (p.Asn1716Ser)

Gene: SCN8A (sodium voltage-gated channel alpha subunit 8; plus strand). Cytogenetic location: 12q13.13.
Variant type: single nucleotide variant.
Coding change: c.5147A>G on transcript NM_001330260.2 (MANE Select); coding-DNA position 5147, A replaced by G.
Protein change: p.Asn1716Ser; replaces asparagine 1716 with serine.
Molecular consequence: missense variant.
Genome position (GRCh38, 1-based): chr12:51,806,633, A>G. VCF-style: chr12-51806633-A-G. GRCh37 (hg19) VCF-style: chr12-52200417-A-G.
Other names: c.5024A>G, p.Asn1675Ser (NM_001177984.3, NM_001369788.1); c.5147A>G, p.Asn1716Ser (NM_014191.4); short protein forms N1675S, N1716S.
Identifiers: ClinVar variation 3635213 (VCV003635213.2).
Genomic context (GRCh38, chr12:51,806,633, plus strand): 5'-TCTGCCTGTTTCAAATCACAACCTCAGCTGGTTGGGATGGCCTGCTGCTGCCCATCCTAA[A>G]CCGCCCCCCTGACTGCAGCCTAGATAAGGAACACCCAGGGAGTGGCTTTAAGGGAGATTG-3'
Protein context (NP_001317189.1, residues 1706-1726): GWDGLLLPIL[Asn1716Ser]RPPDCSLDKE